The following is an entry in ClinVar:

ClinVar aggregate classification (germline): Uncertain significance (1 of 4 stars; one submission).

Conditions:
Koolen-de Vries syndrome (KDVS). Identifiers: Orphanet 96169, MedGen C1864871, MONDO:0012496, OMIM 610443.

Submission:

Labcorp Genetics (formerly Invitae), Labcorp
Classification: Uncertain significance for Koolen-de Vries syndrome. Last evaluated: 2022-03-02. Review status: criteria provided, single submitter. Criteria: Invitae Variant Classification Sherloc (09022015). Collection method: clinical testing. Allele origin: germline.
Comment: This sequence change replaces leucine, which is neutral and non-polar, with methionine, which is neutral and non-polar, at codon 1027 of the KANSL1 protein (p.Leu1027Met). In summary, the available evidence is currently insufficient to determine the role of this variant in disease. Therefore, it has been classified as a Variant of Uncertain Significance. Algorithms developed to predict the effect of missense changes on protein structure and function are either unavailable or do not agree on the potential impact of this missense change (SIFT: "Deleterious"; PolyPhen-2: "Benign"; Align-GVGD: "Class C0"). This variant has not been reported in the literature in individuals affected with KANSL1-related conditions. This variant is not present in population databases (gnomAD no frequency).

NM_015443.4(KANSL1):c.3079C>A (p.Leu1027Met)

Gene: KANSL1 (KAT8 regulatory NSL complex subunit 1). Cytogenetic location: 17q21.31.
Variant type: single nucleotide variant.
Coding change: c.3079C>A on transcript NM_015443.4 (MANE Select); coding-DNA position 3079, C replaced by A.
Protein change: p.Leu1027Met; replaces leucine 1027 with methionine.
Molecular consequence: missense variant.
Genome position (GRCh38, 1-based): chr17:46,032,058, G>T on the plus strand (C>A on the coding strand, the complement: KANSL1 is on the minus strand). VCF-style: chr17-46032058-G-T. GRCh37 (hg19) VCF-style: chr17-44109424-G-T.
Other names: c.3076C>A, p.Leu1026Met (NM_001193465.2); c.3079C>A, p.Leu1027Met (NM_001193466.2, NM_001379198.1); short protein forms L1026M, L1027M.
Identifiers: ClinVar variation 1346433 (VCV001346433.6), dbSNP rs1202646378, ClinGen allele CA399986283.